The following is an entry in ClinVar:

ClinVar aggregate classification (germline): Uncertain significance. Review status: criteria provided, multiple submitters, no conflicts (2 of 4 stars). 2 submissions from 2 submitters: Uncertain significance (2). Last evaluated 2023-12-06.

Conditions:
Dilated cardiomyopathy 1DD (CMD1DD). Identifiers: Orphanet 154, MedGen C2750995, MONDO:0013168, OMIM 613172.

Allele frequency attached by ClinVar (database versions not stated): gnomAD exomes below 0.00001; TOPMed below 0.00001; gnomAD 0.00001; 1000 Genomes Project 30x 0.00016; 1000 Genomes Project 0.00020.
gnomAD v4.1: 4 of 1,551,640 alleles (0.00026%); highest among the groups gnomAD compares: Non-Finnish European, 0.00026%; no homozygotes.

Submissions (2):

Labcorp Genetics (formerly Invitae), Labcorp
Classification: Uncertain significance for Dilated cardiomyopathy 1DD. Last evaluated: 2023-12-06. Review status: criteria provided, single submitter. Criteria: Invitae Variant Classification Sherloc (09022015). Collection method: clinical testing. Allele origin: germline.
Comment: This sequence change replaces histidine, which is basic and polar, with arginine, which is basic and polar, at codon 323 of the RBM20 protein (p.His323Arg). This variant is not present in population databases (gnomAD no frequency). This variant has not been reported in the literature in individuals affected with RBM20-related conditions. ClinVar contains an entry for this variant (Variation ID: 933899). Advanced modeling of protein sequence and biophysical properties (such as structural, functional, and spatial information, amino acid conservation, physicochemical variation, residue mobility, and thermodynamic stability) performed at Invitae indicates that this missense variant is not expected to disrupt RBM20 protein function with a negative predictive value of 95%. In summary, the available evidence is currently insufficient to determine the role of this variant in disease. Therefore, it has been classified as a Variant of Uncertain Significance.

GeneDx
Classification: Uncertain significance. Last evaluated: 2022-11-21. Review status: criteria provided, single submitter. Criteria: GeneDx Variant Classification Process June 2021. Collection method: clinical testing. Allele origin: germline. Affected: yes.
Comment: Not observed at significant frequency in large population cohorts (gnomAD); In silico analysis supports that this missense variant does not alter protein structure/function; Has not been previously published as pathogenic or benign to our knowledge

NM_001134363.3(RBM20):c.968A>G (p.His323Arg)

Gene: RBM20 (RNA binding motif protein 20; plus strand). Cytogenetic location: 10q25.2.
Variant type: single nucleotide variant.
Coding change: c.968A>G on transcript NM_001134363.3 (MANE Select); coding-DNA position 968, A replaced by G.
Protein change: p.His323Arg; replaces histidine 323 with arginine.
Molecular consequence: missense variant.
Genome position (GRCh38, 1-based): chr10:110,781,577, A>G. VCF-style: chr10-110781577-A-G. GRCh37 (hg19) VCF-style: chr10-112541335-A-G.
Other names: c.968A>G (NM_001134363.1); short protein forms H323R.
Identifiers: ClinVar variation 933899 (VCV000933899.10), dbSNP rs568559249, ClinGen allele CA213234969.